The following is an entry in ClinVar:

ClinVar aggregate classification (germline): Conflicting classifications of pathogenicity. Review status: criteria provided, conflicting classifications (1 of 4 stars). 2 submissions from 2 submitters: Uncertain significance (1); Likely benign (1). Last evaluated 2026-05-05.

Conditions:
Hereditary cancer-predisposing syndrome. Also called: Hereditary Cancer Syndrome; Neoplastic Syndromes, Hereditary; Tumor predisposition; Hereditary neoplastic syndrome. Identifiers: Orphanet 140162, MedGen C0027672, MeSH D009386, MONDO:0015356.
Hereditary diffuse gastric adenocarcinoma (HDGC). Also called: DIFFUSE GASTRIC AND LOBULAR BREAST CANCER SYNDROME. Identifiers: Orphanet 26106, MedGen C1708349, MONDO:0007648, OMIM 137215.

Submissions (2):

Ambry Genetics
Classification: Likely benign for Hereditary cancer-predisposing syndrome. Last evaluated: 2026-05-05. Review status: criteria provided, single submitter. Criteria: Ambry Variant Classification Scheme 2023. Collection method: clinical testing. Allele origin: germline.

Labcorp Genetics (formerly Invitae), Labcorp
Classification: Uncertain significance for Hereditary diffuse gastric adenocarcinoma. Last evaluated: 2020-04-09. Review status: criteria provided, single submitter. Criteria: Invitae Variant Classification Sherloc (09022015). Collection method: clinical testing. Allele origin: germline.
Comment: In summary, the available evidence is currently insufficient to determine the role of this variant in disease. Therefore, it has been classified as a Variant of Uncertain Significance. Algorithms developed to predict the effect of missense changes on protein structure and function output the following: SIFT: "Tolerated"; PolyPhen-2: "Benign"; Align-GVGD: "Class C0". The tyrosine amino acid residue is found in multiple mammalian species, suggesting that this missense change does not adversely affect protein function. These predictions have not been confirmed by published functional studies and their clinical significance is uncertain. This variant has not been reported in the literature in individuals with CDH1-related conditions. This variant is not present in population databases (ExAC no frequency). This sequence change replaces phenylalanine with tyrosine at codon 338 of the CDH1 protein (p.Phe338Tyr). The phenylalanine residue is weakly conserved and there is a small physicochemical difference between phenylalanine and tyrosine.

NM_004360.5(CDH1):c.1013T>A (p.Phe338Tyr)

Gene: CDH1 (cadherin 1; plus strand). Cytogenetic location: 16q22.1.
Variant type: single nucleotide variant.
Coding change: c.1013T>A on transcript NM_004360.5 (MANE Select); coding-DNA position 1013, T replaced by A.
Protein change: p.Phe338Tyr; replaces phenylalanine 338 with tyrosine.
Molecular consequence: missense variant. On other transcripts: 5 prime UTR variant (2).
Genome position (GRCh38, 1-based): chr16:68,812,139, T>A. VCF-style: chr16-68812139-T-A. GRCh37 (hg19) VCF-style: chr16-68846042-T-A.
Other names: c.1013T>A, p.Phe338Tyr (NM_001317184.2); c.-603T>A (NM_001317185.2); c.-807T>A (NM_001317186.2); short protein forms F338Y.
Identifiers: ClinVar variation 936515 (VCV000936515.13), dbSNP rs1060501219, ClinGen allele CA396459926.